The following is an entry in ClinVar:

NM_001378457.1(DMXL2):c.787G>A (p.Gly263Ser)

Gene: DMXL2 (Dmx like 2; minus strand). Cytogenetic location: 15q21.2.
Variant type: single nucleotide variant.
Coding change: c.787G>A on transcript NM_001378457.1 (MANE Select); coding-DNA position 787, G replaced by A.
Protein change: p.Gly263Ser; replaces glycine 263 with serine.
Molecular consequence: missense variant. On other transcripts: non-coding transcript variant (2).
Genome position (GRCh38, 1-based): chr15:51,545,726, C>T on the plus strand (G>A on the coding strand, the complement: DMXL2 is on the minus strand). VCF-style: chr15-51545726-C-T. GRCh37 (hg19) VCF-style: chr15-51837923-C-T.
Other names: c.787G>A, p.Gly263Ser (NM_001174116.3, NM_001174117.3, NM_001378458.1 and 7 more transcripts); short protein forms G263S.
Identifiers: ClinVar variation 2124587 (VCV002124587.4), dbSNP rs2048851361, ClinGen allele CA392469124.

ClinVar aggregate classification (germline): Uncertain significance (1 of 4 stars; one submission).

Allele frequency attached by ClinVar (database versions not stated): TOPMed below 0.00001; gnomAD 0.00001; gnomAD exomes 0.00001.

Submission:

Labcorp Genetics (formerly Invitae), Labcorp
Classification: Uncertain significance. Last evaluated: 2022-04-12. Review status: criteria provided, single submitter. Criteria: Invitae Variant Classification Sherloc (09022015). Collection method: clinical testing. Allele origin: germline.
Comment: In summary, the available evidence is currently insufficient to determine the role of this variant in disease. Therefore, it has been classified as a Variant of Uncertain Significance. Algorithms developed to predict the effect of sequence changes on RNA splicing suggest that this variant may create or strengthen a splice site. Algorithms developed to predict the effect of missense changes on protein structure and function are either unavailable or do not agree on the potential impact of this missense change (SIFT: "Tolerated"; PolyPhen-2: "Probably Damaging"; Align-GVGD: "Class C0"). This variant has not been reported in the literature in individuals affected with DMXL2-related conditions. This variant is not present in population databases (gnomAD no frequency). This sequence change replaces glycine, which is neutral and non-polar, with serine, which is neutral and polar, at codon 263 of the DMXL2 protein (p.Gly263Ser).